The following is an entry in ClinVar:

ClinVar aggregate classification (germline): Uncertain significance (1 of 4 stars; one submission).

Conditions:
Pyogenic arthritis-pyoderma gangrenosum-acne syndrome (PAPA). Also called: PAPA SYNDROME; FAMILIAL RECURRENT ARTHRITIS. Identifiers: Orphanet 69126, MedGen C1858361, MONDO:0011462, OMIM 604416.

gnomAD v4.1: 10 of 1,611,224 alleles (0.00062%); highest among the groups gnomAD compares: South Asian, 0.0011%; no homozygotes.

Submission:

Labcorp Genetics (formerly Invitae), Labcorp
Classification: Uncertain significance for Pyogenic arthritis-pyoderma gangrenosum-acne syndrome. Last evaluated: 2023-12-31. Review status: criteria provided, single submitter. Criteria: Invitae Variant Classification Sherloc (09022015). Collection method: clinical testing. Allele origin: germline.
Comment: This sequence change falls in intron 8 of the PSTPIP1 gene. It does not directly change the encoded amino acid sequence of the PSTPIP1 protein. The frequency data for this variant in the population databases is considered unreliable, as metrics indicate poor data quality at this position in the gnomAD database. This variant has not been reported in the literature in individuals affected with PSTPIP1-related conditions. Algorithms developed to predict the effect of sequence changes on RNA splicing suggest that this variant may disrupt the consensus splice site. In summary, the available evidence is currently insufficient to determine the role of this variant in disease. Therefore, it has been classified as a Variant of Uncertain Significance.

NM_003978.5(PSTPIP1):c.563-9C>A

Gene: PSTPIP1 (proline-serine-threonine phosphatase interacting protein 1; plus strand). Cytogenetic location: 15q24.3.
Variant type: single nucleotide variant.
Coding change: c.563-9C>A on transcript NM_003978.5 (MANE Select); 9 bases into the intron before coding-DNA position 563, C replaced by A.
Molecular consequence: intron variant.
Genome position (GRCh38, 1-based): chr15:77,030,493, C>A. VCF-style: chr15-77030493-C-A. GRCh37 (hg19) VCF-style: chr15-77322834-C-A.
Other names: c.758-9C>A (NM_001321137.1); c.536-9C>A (NM_001321136.2); c.563-9C>A (NM_001321135.2, NM_001411086.1).
Identifiers: ClinVar variation 2782688 (VCV002782688.3), dbSNP rs768152191, ClinGen allele CA7675884.
Genomic context (GRCh38, chr15:77,030,493, plus strand): 5'-GGACCTGCTGGAGTACAGGGGTGGAGGAGCTCGTGTCAGGGCCCTCCCTGAGGCTGCCTG[C>A]GCTTTCAGAGCGGGTATACAGGCAGAGCATTGCGCAGCTGGAGAAGGTCCGGGCTGAGTG-3'